The following is an entry in ClinVar:

ClinVar aggregate classification (germline): Uncertain significance (1 of 4 stars; one submission).

Submission:

Labcorp Genetics (formerly Invitae), Labcorp
Classification: Uncertain significance. Last evaluated: 2024-05-14. Review status: criteria provided, single submitter. Criteria: Invitae Variant Classification Sherloc (09022015). Collection method: clinical testing. Allele origin: germline.
Comment: This sequence change replaces arginine, which is basic and polar, with glycine, which is neutral and non-polar, at codon 201 of the RFWD3 protein (p.Arg201Gly). This variant is present in population databases (rs760667935, gnomAD 0.0009%). This variant has not been reported in the literature in individuals affected with RFWD3-related conditions. An algorithm developed to predict the effect of missense changes on protein structure and function (PolyPhen-2) suggests that this variant is likely to be tolerated. In summary, the available evidence is currently insufficient to determine the role of this variant in disease. Therefore, it has been classified as a Variant of Uncertain Significance.

NM_018124.4(RFWD3):c.601A>G (p.Arg201Gly)

Gene: RFWD3 (ring finger and WD repeat domain 3; minus strand). Cytogenetic location: 16q23.1.
Variant type: single nucleotide variant.
Coding change: c.601A>G on transcript NM_018124.4 (MANE Select); coding-DNA position 601, A replaced by G.
Protein change: p.Arg201Gly; replaces arginine 201 with glycine.
Molecular consequence: missense variant. On other transcripts: 5 prime UTR variant (4), intron variant (1).
Genome position (GRCh38, 1-based): chr16:74,652,040, T>C on the plus strand (A>G on the coding strand, the complement: RFWD3 is on the minus strand). VCF-style: chr16-74652040-T-C. GRCh37 (hg19) VCF-style: chr16-74685938-T-C.
Other names: c.601A>G, p.Arg201Gly (NM_001370534.1, NM_001370535.1, NM_001370536.1); c.-408A>G (NM_001370537.1); c.-234A>G (NM_001370540.1); c.-285A>G (NM_001370542.1); c.-163A>G (NM_001370543.1); c.-113-2838A>G (NM_001370539.1); short protein forms R201G.
Identifiers: ClinVar variation 3688773 (VCV003688773.2).